The following is an entry in ClinVar:

NM_004994.3(MMP9):c.431C>G (p.Ala144Gly)

Gene: MMP9 (matrix metallopeptidase 9; plus strand). Cytogenetic location: 20q13.12.
Variant type: single nucleotide variant.
Coding change: c.431C>G on transcript NM_004994.3 (MANE Select); coding-DNA position 431, C replaced by G.
Protein change: p.Ala144Gly; replaces alanine 144 with glycine.
Molecular consequence: missense variant.
Genome position (GRCh38, 1-based): chr20:46,010,542, C>G. VCF-style: chr20-46010542-C-G. GRCh37 (hg19) VCF-style: chr20-44639181-C-G.
Other names: short protein forms A144G.
Identifiers: ClinVar variation 1445391 (VCV001445391.8), dbSNP rs370718441, ClinGen allele CA9886386.

ClinVar aggregate classification (germline): Uncertain significance. Review status: criteria provided, multiple submitters, no conflicts (2 of 4 stars). 2 submissions from 2 submitters: Uncertain significance (2). Last evaluated 2022-08-23.

Allele frequency attached by ClinVar (database versions not stated): TOPMed below 0.00001; gnomAD 0.00001; gnomAD exomes 0.00003 and 0.00009; ExAC 0.00007.
gnomAD v4.1: 57 of 1,614,126 alleles (0.0035%); highest among the groups gnomAD compares: South Asian, 0.054%; no homozygotes.

Submissions (2):

Labcorp Genetics (formerly Invitae), Labcorp
Classification: Uncertain significance. Last evaluated: 2022-08-23. Review status: criteria provided, single submitter. Criteria: Invitae Variant Classification Sherloc (09022015). Collection method: clinical testing. Allele origin: germline.
Comment: In summary, the available evidence is currently insufficient to determine the role of this variant in disease. Therefore, it has been classified as a Variant of Uncertain Significance. Algorithms developed to predict the effect of missense changes on protein structure and function are either unavailable or do not agree on the potential impact of this missense change (SIFT: "Tolerated"; PolyPhen-2: "Probably Damaging"; Align-GVGD: "Class C0"). This sequence change replaces alanine, which is neutral and non-polar, with glycine, which is neutral and non-polar, at codon 144 of the MMP9 protein (p.Ala144Gly). This variant is present in population databases (rs370718441, gnomAD 0.07%), and has an allele count higher than expected for a pathogenic variant. This variant has not been reported in the literature in individuals affected with MMP9-related conditions. ClinVar contains an entry for this variant (Variation ID: 1445391).

Breakthrough Genomics
Classification: Uncertain significance. Review status: criteria provided, single submitter. Criteria: ACMG Guidelines, 2015. Collection method: not provided. Allele origin: germline. Inheritance: Autosomal dominant inheritance. Affected: yes.